The following is an entry in ClinVar:

ClinVar aggregate classification (germline): Uncertain significance (1 of 4 stars; one submission).

Conditions:
Familial cold autoinflammatory syndrome 3 (FCAS3). Also called: FAMILIAL ATYPICAL COLD URTICARIA; ANTIBODY DEFICIENCY AND IMMUNE DYSREGULATION, PLCG2-ASSOCIATED. Identifiers: Orphanet 300359, MedGen C3280914, MONDO:0013766, OMIM 614468.

Submission:

Labcorp Genetics (formerly Invitae), Labcorp
Classification: Uncertain significance for Familial cold autoinflammatory syndrome 3. Last evaluated: 2023-09-10. Review status: criteria provided, single submitter. Criteria: Invitae Variant Classification Sherloc (09022015). Collection method: clinical testing. Allele origin: unknown.
Comment: This variant is a gross deletion of the genomic region encompassing exon(s) 8-11 of the PLCG2 gene. This deletion is out-of-frame, and is expected to create a premature translational stop signal and result in an absent or disrupted protein product. However, the current clinical and genetic evidence is not sufficient to establish whether loss-of-function variants in PLCG2 cause disease. This variant has not been reported in the literature in individuals affected with PLCG2-related conditions. In summary, the available evidence is currently insufficient to determine the role of this variant in disease. Therefore, it has been classified as a Variant of Uncertain Significance.

NC_000016.9:g.(?_81914495)_(81925215_?)del

Gene: PLCG2 (phospholipase C gamma 2; plus strand). Cytogenetic location: 16q23.3.
Variant type: Deletion.
Identifiers: ClinVar variation 3243509 (VCV003243509.1).